The following is an entry in ClinVar:

ClinVar aggregate classification (germline): Likely pathogenic (1 of 4 stars; one submission).

Conditions:
Osteogenesis imperfecta type 8 (OI8). Identifiers: MedGen C1970458, MONDO:0012581, OMIM 610915.

Submission:

Labcorp Genetics (formerly Invitae), Labcorp
Classification: Likely pathogenic for Osteogenesis imperfecta type 8. Last evaluated: 2023-01-24. Review status: criteria provided, single submitter. Criteria: Invitae Variant Classification Sherloc (09022015). Collection method: clinical testing. Allele origin: germline.
Comment: This sequence change affects an acceptor splice site in intron 7 of the P3H1 gene. It is expected to disrupt RNA splicing. Variants that disrupt the donor or acceptor splice site typically lead to a loss of protein function (PMID: 16199547), and loss-of-function variants in P3H1 are known to be pathogenic (PMID: 17277775, 18566967, 19088120, 22281939). This variant is not present in population databases (gnomAD no frequency). This variant has not been reported in the literature in individuals affected with P3H1-related conditions. Algorithms developed to predict the effect of sequence changes on RNA splicing suggest that this variant may disrupt the consensus splice site. In summary, the currently available evidence indicates that the variant is pathogenic, but additional data are needed to prove that conclusively. Therefore, this variant has been classified as Likely Pathogenic.

Literature cited by the submitters: PubMed 16199547; PubMed 17277775; PubMed 18566967; PubMed 19088120; PubMed 22281939.

NM_022356.4(P3H1):c.1224-2A>G

Gene: P3H1 (prolyl 3-hydroxylase 1; minus strand). Cytogenetic location: 1p34.2.
Variant type: single nucleotide variant.
Coding change: c.1224-2A>G on transcript NM_022356.4 (MANE Select); the canonical splice acceptor site of the intron before coding-DNA position 1224, A replaced by G.
Molecular consequence: splice acceptor variant.
Genome position (GRCh38, 1-based): chr1:42,754,992, T>C on the plus strand (A>G on the coding strand, the complement: P3H1 is on the minus strand). VCF-style: chr1-42754992-T-C. GRCh37 (hg19) VCF-style: chr1-43220663-T-C.
Other names: c.1224-2A>G (NM_001146289.2, NM_001243246.2).
Identifiers: ClinVar variation 2831497 (VCV002831497.3), dbSNP rs2524450808, ClinGen allele CA339957935.